The following is an entry in ClinVar:

ClinVar aggregate classification (germline): Uncertain significance. Review status: criteria provided, multiple submitters, no conflicts (2 of 4 stars). 3 submissions from 3 submitters: Uncertain significance (3). Last evaluated 2021-12-06.

Conditions:
Cardiovascular phenotype. Identifiers: MedGen CN230736.
Tibial muscular dystrophy (TMD). Also called: UDD MYOPATHY; Tibial muscular dystrophy, tardive; Udd Distal Myopathy – Tibial Muscular Dystrophy. Identifiers: Orphanet 609, MedGen C1838244, MONDO:0010870, OMIM 600334.
Early-onset myopathy with fatal cardiomyopathy (CMYO5). Also called: Salih Myopathy; CONGENITAL MYOPATHY 5 WITH CARDIOMYOPATHY. Identifiers: Orphanet 289377, MedGen C2673677, MONDO:0012714, OMIM 611705. Disease mechanism: loss of function.
Hypertrophic cardiomyopathy 9. Also called: Familial hypertrophic cardiomyopathy 9. Identifiers: MedGen C1861065, MONDO:0013412, OMIM 613765.
Autosomal recessive limb-girdle muscular dystrophy type 2J (LGMDR10). Also called: Limb-girdle muscular dystrophy, type 2J; MUSCULAR DYSTROPHY, LIMB-GIRDLE, AUTOSOMAL RECESSIVE 10. Identifiers: Orphanet 140922, MedGen C1837342, MONDO:0012127, OMIM 608807.
Myopathy, myofibrillar, 9, with early respiratory failure (MFM9). Also called: Hereditary myopathy with early respiratory failure; EDSTROM MYOPATHY; MYOPATHY, PROXIMAL, WITH EARLY RESPIRATORY MUSCLE INVOLVEMENT; Myopathy, distal, with early respiratory failure, autosomal dominant. Identifiers: Orphanet 178464, Orphanet 34521, MedGen C1863599, MONDO:0011362, OMIM 603689.
Dilated cardiomyopathy 1G (CMD1G). Identifiers: Orphanet 154, MedGen C1858763, MONDO:0011400, OMIM 604145.

Allele frequency attached by ClinVar (database versions not stated): gnomAD 0.00001; ExAC 0.00002; gnomAD exomes 0.00002; TOPMed 0.00003; ESP Exome Variant Server 0.00016.
gnomAD v4.1: 43 of 1,613,804 alleles (0.0027%); highest among the groups gnomAD compares: Non-Finnish European, 0.0036%; no homozygotes.

Submissions (3):

Fulgent Genetics
Classification: Uncertain significance for Tibial muscular dystrophy; Myopathy, myofibrillar, 9, with early respiratory failure; Dilated cardiomyopathy 1G; Autosomal recessive limb-girdle muscular dystrophy type 2J; Early-onset myopathy with fatal cardiomyopathy; Hypertrophic cardiomyopathy 9. Last evaluated: 2021-12-06. Review status: criteria provided, single submitter. Criteria: ACMG Guidelines, 2015. Collection method: clinical testing. Allele origin: unknown.

Ambry Genetics
Classification: Uncertain significance for Cardiovascular phenotype. Last evaluated: 2020-08-03. Review status: criteria provided, single submitter. Criteria: Ambry Variant Classification Scheme 2023. Collection method: clinical testing. Allele origin: germline.
Comment: The p.V22247G variant (also known as c.66740T>G), located in coding exon 166 of the TTN gene, results from a T to G substitution at nucleotide position 66740. The valine at codon 22247 is replaced by glycine, an amino acid with dissimilar properties. This amino acid position is well conserved in available vertebrate species. In addition, this alteration is predicted to be tolerated by in silico analysis. Since supporting evidence is limited at this time, the clinical significance of this alteration remains unclear.

Eurofins Ntd Llc (ga)
Classification: Uncertain significance. Last evaluated: 2016-12-29. Review status: criteria provided, single submitter. Criteria: EGL Classification Definitions 2015. Collection method: clinical testing. Allele origin: germline. Observed: 1 variant allele, 1 heterozygote.

NM_001267550.2(TTN):c.93935T>G (p.Val31312Gly)

Genes: TTN (titin; minus strand), TTN-AS1 (TTN antisense RNA 1; plus strand). Cytogenetic location: 2q31.2.
Variant type: single nucleotide variant.
Coding change: c.93935T>G on transcript NM_001267550.2 (MANE Select); coding-DNA position 93935, T replaced by G.
Protein change: p.Val31312Gly; replaces valine 31312 with glycine.
Molecular consequence: missense variant.
Genome position (GRCh38, 1-based): chr2:178,547,691, A>C on the plus strand (T>G on the coding strand, the complement: TTN is on the minus strand). VCF-style: chr2-178547691-A-C. GRCh37 (hg19) VCF-style: chr2-179412418-A-C.
Other names: c.89012T>G, p.Val29671Gly (NM_001256850.1); c.66740T>G, p.Val22247Gly (NM_003319.4); c.86231T>G, p.Val28744Gly (NM_133378.4); c.67115T>G, p.Val22372Gly (NM_133432.3); c.67316T>G, p.Val22439Gly (NM_133437.4); short protein forms V28744G, V31312G, V29671G, V22439G, V22247G, V22372G.
Identifiers: ClinVar variation 498988 (VCV000498988.8), dbSNP rs201344229, ClinGen allele CA1987225.